The following is an entry in ClinVar:

ClinVar aggregate classification (germline): Uncertain significance (1 of 4 stars; one submission).

Submission:

GeneDx
Classification: Uncertain significance. Last evaluated: 2018-06-15. Review status: criteria provided, single submitter. Criteria: GeneDx Variant Classification (06012015). Collection method: clinical testing. Allele origin: germline. Affected: yes.
Comment: A variant of uncertain significance has been identified in the CHD2 gene. The R1725W variant has not been published as a pathogenic variant, nor has it been reported as a benign variant to our knowledge. The R1725W variant is not observed in large population cohorts (Lek et al., 2016). The R1725W variant is a non-conservative amino acid substitution, which is likely to impact secondary protein structure as these residues differ in polarity, charge, size and/or other properties. This substitution occurs at a position that is conserved across species; and in silico analysis predicts this variant is probably damaging to the protein structure/function. Based on the currently available information, it is unclear whether this variant is a pathogenic variant or a rare benign variant.

NM_001271.4(CHD2):c.5173C>T (p.Arg1725Trp)

Gene: CHD2 (chromodomain helicase DNA binding protein 2; plus strand). Cytogenetic location: 15q26.1.
Variant type: single nucleotide variant.
Coding change: c.5173C>T on transcript NM_001271.4 (MANE Select); coding-DNA position 5173, C replaced by T.
Protein change: p.Arg1725Trp; replaces arginine 1725 with tryptophan.
Molecular consequence: missense variant.
Genome position (GRCh38, 1-based): chr15:93,024,391, C>T. VCF-style: chr15-93024391-C-T. GRCh37 (hg19) VCF-style: chr15-93567621-C-T.
Other names: short protein forms R1725W.
Identifiers: ClinVar variation 452603 (VCV000452603.2), dbSNP rs1555446665, ClinGen allele CA393908217.